The following is an entry in ClinVar:

ClinVar aggregate classification (germline): Uncertain significance (1 of 4 stars; one submission).

Allele frequency attached by ClinVar (database versions not stated): gnomAD 0.00001; ExAC 0.00002.
gnomAD v4.1: 7 of 1,614,098 alleles (0.00043%); highest among the groups gnomAD compares: Admixed American, 0.005%; no homozygotes.

Submission:

Ambry Genetics
Classification: Uncertain significance. Last evaluated: 2023-10-08. Review status: criteria provided, single submitter. Criteria: Ambry Variant Classification Scheme 2023. Collection method: clinical testing. Allele origin: germline.
Comment: The p.S1173R variant (also known as c.3517A>C), located in coding exon 17 of the NPAT gene, results from an A to C substitution at nucleotide position 3517. The serine at codon 1173 is replaced by arginine, an amino acid with dissimilar properties. This amino acid position is conserved. In addition, this alteration is predicted to be tolerated by in silico analysis. Since supporting evidence is limited at this time, the clinical significance of this alteration remains unclear.

NM_002519.3(NPAT):c.3517A>C (p.Ser1173Arg)

Gene: NPAT (nuclear protein, coactivator of histone transcription; minus strand). Cytogenetic location: 11q22.3.
Variant type: single nucleotide variant.
Coding change: c.3517A>C on transcript NM_002519.3 (MANE Select); coding-DNA position 3517, A replaced by C.
Protein change: p.Ser1173Arg; replaces serine 1173 with arginine.
Molecular consequence: missense variant.
Genome position (GRCh38, 1-based): chr11:108,161,569, T>G on the plus strand (A>C on the coding strand, the complement: NPAT is on the minus strand). VCF-style: chr11-108161569-T-G. GRCh37 (hg19) VCF-style: chr11-108032296-T-G.
Other names: c.3538A>C, p.Ser1180Arg (NM_001321307.1); short protein forms S1173R, S1180R.
Identifiers: ClinVar variation 1732213 (VCV001732213.2), dbSNP rs753590359, ClinGen allele CA6263571.
Genomic context (GRCh38, chr11:108,161,569, plus strand): 5'-CATTTTGCTGCCCAATAGATAGTTTTGAATTTTCTGGATTTTTCTGTCTTTCTACATCGC[T>G]GCATAATTCATTCTCCTTATTAGCTGTTGCTTTATGGAAAGATTCAAGCACAATTTCTGT-3'
Protein context (NP_002510.2, residues 1163-1183): ATANKENELC[Ser1173Arg]DVERQKNPEN